The following is an entry in ClinVar:

ClinVar aggregate classification (germline): Likely benign (1 of 4 stars; one submission).

Conditions:
Familial cancer of breast. Also called: BREAST CANCER, FAMILIAL; Hereditary breast cancer; hereditary breast carcinoma. Identifiers: Orphanet 227535, MedGen C0346153, MONDO:0016419, OMIM 114480. Disease mechanism: loss of function.

Submission:

Myriad Genetics, Inc.
Classification: Likely benign for Familial cancer of breast. Last evaluated: 2024-05-14. Review status: criteria provided, single submitter. Criteria: Myriad Autosomal Dominant, Autosomal Recessive and X-Linked Classification Criteria (2023). Collection method: clinical testing. Allele origin: unknown.
Comment: This variant is considered likely benign. This variant is intronic and is not expected to impact mRNA splicing.

NM_000051.4(ATM):c.3285-9_3285-8delinsA

Gene: ATM (ATM serine/threonine kinase; plus strand). Cytogenetic location: 11q22.3.
Variant type: Indel.
Coding change: c.3285-9_3285-8delinsA on transcript NM_000051.4 (MANE Select); 9 bases into the intron before coding-DNA position 3285 through 8 bases into the intron before coding-DNA position 3285, TG replaced by A.
Molecular consequence: intron variant.
Genome position (GRCh38, 1-based): chr11:108,279,482-108,279,483, TG replaced by A. VCF-style: chr11-108279482-TG-A. GRCh37 (hg19) VCF-style: chr11-108150209-TG-A.
Other names: c.3285-9_3285-8delinsA (NM_001351834.2).
Identifiers: ClinVar variation 3254209 (VCV003254209.1), dbSNP rs2546861401.